The following is an entry in ClinVar:

ClinVar aggregate classification (germline): Uncertain significance (1 of 4 stars; one submission).

Conditions:
Combined oxidative phosphorylation defect type 27. Also called: Combined oxidative phosphorylation deficiency 27. Identifiers: Orphanet 477774, MedGen C5567608, MONDO:0014728, OMIM 616672.

Allele frequency attached by ClinVar (database versions not stated): gnomAD exomes 0.00001.
gnomAD v4.1: 17 of 1,561,614 alleles (0.0011%); highest among the groups gnomAD compares: Non-Finnish European, 0.0014%; no homozygotes.

Submission:

Labcorp Genetics (formerly Invitae), Labcorp
Classification: Uncertain significance for Combined oxidative phosphorylation defect type 27. Last evaluated: 2021-01-09. Review status: criteria provided, single submitter. Criteria: Invitae Variant Classification Sherloc (09022015). Collection method: clinical testing. Allele origin: germline.
Comment: In summary, the available evidence is currently insufficient to determine the role of this variant in disease. Therefore, it has been classified as a Variant of Uncertain Significance. Algorithms developed to predict the effect of missense changes on protein structure and function (SIFT, PolyPhen-2, Align-GVGD) all suggest that this variant is likely to be tolerated, but these predictions have not been confirmed by published functional studies and their clinical significance is uncertain. This variant has not been reported in the literature in individuals with CARS2-related conditions. This variant is not present in population databases (ExAC no frequency). This sequence change replaces proline with serine at codon 521 of the CARS2 protein (p.Pro521Ser). The proline residue is moderately conserved and there is a moderate physicochemical difference between proline and serine.

NM_024537.4(CARS2):c.1561C>T (p.Pro521Ser)

Gene: CARS2 (cysteinyl-tRNA synthetase 2, mitochondrial; minus strand). Cytogenetic location: 13q34.
Variant type: single nucleotide variant.
Coding change: c.1561C>T on transcript NM_024537.4 (MANE Select); coding-DNA position 1561, C replaced by T.
Protein change: p.Pro521Ser; replaces proline 521 with serine.
Molecular consequence: missense variant. On other transcripts: non-coding transcript variant (2).
Genome position (GRCh38, 1-based): chr13:110,642,377, G>A on the plus strand (C>T on the coding strand, the complement: CARS2 is on the minus strand). VCF-style: chr13-110642377-G-A. GRCh37 (hg19) VCF-style: chr13-111294724-G-A.
Other names: c.775C>T, p.Pro259Ser (NM_001352252.2); short protein forms P259S, P521S.
Identifiers: ClinVar variation 1424402 (VCV001424402.6), dbSNP rs767008467, ClinGen allele CA388740194.